The following is an entry in ClinVar:

NM_001145809.2(MYH14):c.4424G>A (p.Arg1475Gln)

Gene: MYH14 (myosin heavy chain 14; plus strand). Cytogenetic location: 19q13.33.
Variant type: single nucleotide variant.
Coding change: c.4424G>A on transcript NM_001145809.2 (MANE Select); coding-DNA position 4424, G replaced by A.
Protein change: p.Arg1475Gln; replaces arginine 1475 with glutamine.
Molecular consequence: missense variant.
Genome position (GRCh38, 1-based): chr19:50,281,727, G>A. VCF-style: chr19-50281727-G-A. GRCh37 (hg19) VCF-style: chr19-50784984-G-A.
Other names: c.4325G>A, p.Arg1442Gln (NM_001077186.2); c.4301G>A, p.Arg1434Gln (NM_024729.4); short protein forms R1442Q, R1434Q, R1475Q.
Identifiers: ClinVar variation 3712206 (VCV003712206.2).

ClinVar aggregate classification (germline): Uncertain significance (1 of 4 stars; one submission).

Submission:

Labcorp Genetics (formerly Invitae), Labcorp
Classification: Uncertain significance. Last evaluated: 2024-12-31. Review status: criteria provided, single submitter. Criteria: Invitae Variant Classification Sherloc (09022015). Collection method: clinical testing. Allele origin: germline.
Comment: This sequence change replaces arginine, which is basic and polar, with glutamine, which is neutral and polar, at codon 1434 of the MYH14 protein (p.Arg1434Gln). This variant is present in population databases (rs752792064, gnomAD 0.01%). This variant has not been reported in the literature in individuals affected with MYH14-related conditions. Invitae Evidence Modeling of protein sequence and biophysical properties (such as structural, functional, and spatial information, amino acid conservation, physicochemical variation, residue mobility, and thermodynamic stability) indicates that this missense variant is expected to disrupt MYH14 protein function with a positive predictive value of 80%. In summary, the available evidence is currently insufficient to determine the role of this variant in disease. Therefore, it has been classified as a Variant of Uncertain Significance.